The following is an entry in ClinVar:

GRCh38/hg38 16q23.2(chr16:79455147-81109328)x1

Genes: ARLNC1 (androgen receptor regulated long noncoding RNA 1; minus strand), ATMIN (ATM interactor; plus strand), C16orf46 (chromosome 16 open reading frame 46; minus strand), C16orf46-AS1 (C16orf46 antisense RNA 1; plus strand), CDYL2 (chromodomain Y like 2; minus strand) and 58 more. Cytogenetic location: 16q23.2.
Variant type: copy number loss.
Change: copy number 1 (one copy instead of two) of chr16:79,455,147-81,109,328 (1.65 Mb, GRCh38 coordinates, 1-based), cytogenetic band 16q23.2.
Identifiers: ClinVar variation 57099 (VCV000057099.1).

ClinVar aggregate classification (germline): Pathogenic (1 of 4 stars; one submission).

Submission:

ISCA site 4
Classification: Pathogenic. Last evaluated: 2011-08-12. Review status: criteria provided, single submitter. Criteria: Kaminsky et al. (Genet Med. 2011). Collection method: clinical testing. Allele origin: unknown. Affected: yes. Observed: 1 variant allele.
Comment: Copy number variation identified through the course of routine clinical cytogenomic testing in postnatal populations. Clinical assertions have been curated as described in Kaminsky et al. 2011.